The following is an entry in ClinVar:

ClinVar aggregate classification (germline): Uncertain significance (1 of 4 stars; one submission).

Conditions:
Intellectual disability, X-linked 49 (MRXSRC). Also called: MRX49; CLCN4-Related Neurodevelopmental Disorder; CLCN4-related X-linked intellectual disability syndrome; RAYNAUD-CLAES SYNDROME; MENTAL RETARDATION, X-LINKED 15. Identifiers: Orphanet 485350, Orphanet 777, MedGen C0796221, MONDO:0010250, OMIM 300114.

Submission:

Women's Health and Genetics/Laboratory Corporation of America, LabCorp
Classification: Uncertain significance. Last evaluated: 2025-04-16. Review status: criteria provided, single submitter. Criteria: LabCorp Variant Classification Summary - May 2015. Collection method: clinical testing. Allele origin: germline.
Comment: Variant summary: CLCN4 c.1457G>C (p.Gly486Ala) results in a non-conservative amino acid change in the encoded protein sequence. Three of five in-silico tools predict a benign effect of the variant on protein function. The variant was absent in 183337 control chromosomes. The available data on variant occurrences in the general population are insufficient to allow any conclusion about variant significance. To our knowledge, no occurrence of c.1457G>C in individuals affected with Raynaud-Claes Syndrome and no experimental evidence demonstrating its impact on protein function have been reported. No submitters have cited clinical-significance assessments for this variant to ClinVar. Based on the evidence outlined above, the variant was classified as uncertain significance.

NM_001830.4(CLCN4):c.1457G>C (p.Gly486Ala)

Gene: CLCN4 (Cl-/H+ antiporter 4; plus strand). Cytogenetic location: Xp22.2.
Variant type: single nucleotide variant.
Coding change: c.1457G>C on transcript NM_001830.4 (MANE Select); coding-DNA position 1457, G replaced by C.
Protein change: p.Gly486Ala; replaces glycine 486 with alanine.
Molecular consequence: missense variant.
Genome position (GRCh38, 1-based): chrX:10,212,534, G>C. VCF-style: chrX-10212534-G-C. GRCh37 (hg19) VCF-style: chrX-10180574-G-C.
Other names: c.1175G>C, p.Gly392Ala (NM_001256944.2); short protein forms G392A, G486A.
Identifiers: ClinVar variation 3896244 (VCV003896244.3).